The following is an entry in ClinVar:

ClinVar aggregate classification (germline): Uncertain significance. Review status: criteria provided, multiple submitters, no conflicts (2 of 4 stars). 3 submissions from 3 submitters: Uncertain significance (3). Last evaluated 2025-06-10.

Conditions:
Charcot-Marie-Tooth disease. Also called: Charcot-Marie-Tooth Hereditary Neuropathy; Charcot-Marie-Tooth Neuropathy. Identifiers: Orphanet 166, MedGen C0007959, MONDO:0015626.
Charcot-Marie-Tooth disease type 2. Also called: Charcot-Marie-Tooth type 2. Identifiers: Orphanet 64746, MedGen C0270914, MONDO:0018993.

Submissions (3):

Ambry Genetics
Classification: Uncertain significance. Last evaluated: 2025-06-10. Review status: criteria provided, single submitter. Criteria: Ambry Variant Classification Scheme 2023. Collection method: clinical testing. Allele origin: germline.
Comment: The c.1807_1809delTCT variant (also known as p.S603del) is located in coding exon 18 of the KIF1B gene. This variant results from an in-frame TCT deletion at nucleotide positions 1807 to 1809. This results in the in-frame deletion of a serine at codon 603. This amino acid position is highly conserved in available vertebrate species. In addition, the in silico prediction for this alteration is inconclusive (Choi Y et al. PLoS ONE. 2012; 7(10):e46688). Since supporting evidence is limited at this time, the clinical significance of this alteration remains unclear.

Labcorp Genetics (formerly Invitae), Labcorp
Classification: Uncertain significance for Charcot-Marie-Tooth disease type 2. Last evaluated: 2022-09-13. Review status: criteria provided, single submitter. Criteria: Invitae Variant Classification Sherloc (09022015). Collection method: clinical testing. Allele origin: germline.
Comment: Experimental studies and prediction algorithms are not available or were not evaluated, and the functional significance of this variant is currently unknown. ClinVar contains an entry for this variant (Variation ID: 917339). This variant has not been reported in the literature in individuals affected with KIF1B-related conditions. This variant is present in population databases (rs766127664, gnomAD 0.002%). This variant, c.1807_1809del, results in the deletion of 1 amino acid(s) of the KIF1B protein (p.Ser603del), but otherwise preserves the integrity of the reading frame. In summary, the available evidence is currently insufficient to determine the role of this variant in disease. Therefore, it has been classified as a Variant of Uncertain Significance.

Molecular Genetics Laboratory, London Health Sciences Centre
Classification: Uncertain significance for Charcot-Marie-Tooth disease. Review status: criteria provided, single submitter. Criteria: ACMG Guidelines, 2015. Collection method: clinical testing. Allele origin: germline. Affected: yes.

NM_001365951.3(KIF1B):c.1945_1947del (p.Ser649del)

Gene: KIF1B (kinesin family member 1B; plus strand). Cytogenetic location: 1p36.22.
Variant type: Deletion.
Coding change: c.1945_1947del on transcript NM_001365951.3 (MANE Select); coding-DNA positions 1945 to 1947, 3 bases deleted (TCT; older notation c.1945_1947delTCT).
Protein change: p.Ser649del; deletes serine 649.
Molecular consequence: inframe deletion.
Genome position (GRCh38, 1-based): chr1:10,296,980-10,296,982, TCT deleted; deleting any 3 consecutive bases within chr1:10,296,978-10,296,982 gives the same sequence; the c. name uses the placement nearest the transcript's 3' end. VCF-style (leftmost placement, unchanged base first): chr1-10296977-CCTT-C. GRCh37 (hg19) VCF-style: chr1-10357035-CCTT-C.
Other names: c.1945_1947del, p.Ser649del (NM_001365952.1); c.1807_1809del, p.Ser603del (NM_001365953.1, NM_015074.3, NM_183416.4); c.1807_1809delTCT (NM_015074.3); short protein forms S603del, S649del.
Identifiers: ClinVar variation 917339 (VCV000917339.10), dbSNP rs766127664, ClinGen allele CA581129.
Genomic context (GRCh38, chr1:10,296,977, plus strand): 5'-AAAAACCATGTTTTCCGCTTTAACCACCCGGAACAAGCACGAGCTGAGCGAGAGAAGACT[CCTT>C]CTGCTGAGACCCCCTCTGAGCCTGTGGACTGGACATTTGCCCAGAGGGAGCTTCTGGAAA-3'